The following is an entry in ClinVar:

NM_001397406.1(FDX2):c.35C>T (p.Ala12Val)

Genes: FDX2 (ferredoxin 2; minus strand), FDX2-ZGLP1 (FDX2-ZGLP1 readthrough (NMD candidate); minus strand). Cytogenetic location: 19p13.2.
Variant type: single nucleotide variant.
Coding change: c.35C>T on transcript NM_001397406.1 (MANE Select); coding-DNA position 35, C replaced by T.
Protein change: p.Ala12Val; replaces alanine 12 with valine.
Molecular consequence: missense variant.
Genome position (GRCh38, 1-based): chr19:10,315,962, G>A on the plus strand (C>T on the coding strand, the complement: FDX2 is on the minus strand). VCF-style: chr19-10315962-G-A. GRCh37 (hg19) VCF-style: chr19-10426638-G-A.
Other names: c.44C>T, p.Ala15Val (NM_001031734.4); short protein forms A12V, A15V.
Identifiers: ClinVar variation 2177478 (VCV002177478.3), dbSNP rs764403123, ClinGen allele CA9191369.

ClinVar aggregate classification (germline): Uncertain significance. Review status: criteria provided, multiple submitters, no conflicts (2 of 4 stars). 2 submissions from 2 submitters: Uncertain significance (2). Last evaluated 2024-03-25.

Allele frequency attached by ClinVar (database versions not stated): gnomAD exomes 0.00001; ExAC 0.00003.
gnomAD v4.1: 20 of 1,610,610 alleles (0.0012%); highest among the groups gnomAD compares: South Asian, 0.0022%; no homozygotes.

Submissions (2):

Blueprint Genetics
Classification: Uncertain significance. Last evaluated: 2024-03-25. Review status: criteria provided, single submitter. Criteria: ACMG Guidelines, 2015. Collection method: clinical testing. Allele origin: germline.

Labcorp Genetics (formerly Invitae), Labcorp
Classification: Uncertain significance. Last evaluated: 2024-01-24. Review status: criteria provided, single submitter. Criteria: Invitae Variant Classification Sherloc (09022015). Collection method: clinical testing. Allele origin: germline.
Comment: This sequence change replaces alanine, which is neutral and non-polar, with valine, which is neutral and non-polar, at codon 15 of the FDX2 protein (p.Ala15Val). This variant is present in population databases (rs764403123, gnomAD 0.003%). This variant has not been reported in the literature in individuals affected with FDX2-related conditions. ClinVar contains an entry for this variant (Variation ID: 2177478). Experimental studies and prediction algorithms are not available or were not evaluated, and the functional significance of this variant is currently unknown. In summary, the available evidence is currently insufficient to determine the role of this variant in disease. Therefore, it has been classified as a Variant of Uncertain Significance.